The following is an entry in ClinVar:

ClinVar aggregate classification (germline): Uncertain significance. Review status: criteria provided, multiple submitters, no conflicts (2 of 4 stars). 2 submissions from 2 submitters: Uncertain significance (2). Last evaluated 2025-09-23.

Conditions:
Neurofibromatosis, type 1 (NF1). Also called: VON RECKLINGHAUSEN DISEASE; Neurofibromatosis, type I; NEUROFIBROMATOSIS, TYPE I, SOMATIC; Peripheral type neurofibromatosis. Identifiers: Orphanet 636, MedGen C0027831, MONDO:0018975, OMIM 162200. Disease mechanism: loss of function.

gnomAD v4.1: 1 of 1,613,938 alleles (0.000062%); highest among the groups gnomAD compares: Non-Finnish European, 0.000085%; no homozygotes.

Submissions (2):

Labcorp Genetics (formerly Invitae), Labcorp
Classification: Uncertain significance for Neurofibromatosis, type 1. Last evaluated: 2025-09-23. Review status: criteria provided, single submitter. Criteria: Invitae Variant Classification Sherloc (09022015). Collection method: clinical testing. Allele origin: germline.
Comment: This sequence change replaces isoleucine, which is neutral and non-polar, with arginine, which is basic and polar, at codon 1461 of the NF1 protein (p.Ile1461Arg). This variant is not present in population databases (gnomAD no frequency). This variant has not been reported in the literature in individuals affected with NF1-related conditions. ClinVar contains an entry for this variant (Variation ID: 1019079). Invitae Evidence Modeling of protein sequence and biophysical properties (such as structural, functional, and spatial information, amino acid conservation, physicochemical variation, residue mobility, and thermodynamic stability) indicates that this missense variant is expected to disrupt NF1 protein function with a positive predictive value of 95%. In summary, the available evidence is currently insufficient to determine the role of this variant in disease. Therefore, it has been classified as a Variant of Uncertain Significance.

Women's Health and Genetics/Laboratory Corporation of America, LabCorp
Classification: Uncertain significance. Last evaluated: 2024-09-17. Review status: criteria provided, single submitter. Criteria: LabCorp Variant Classification Summary - May 2015. Collection method: clinical testing. Allele origin: germline.
Comment: Variant summary: NF1 c.4382T>G (p.Ile1461Arg) results in a non-conservative amino acid change located in the Ras GTPase-activating domain (IPR001936) of the encoded protein sequence. Four of five in-silico tools predict a damaging effect of the variant on protein function. The variant was absent in 251252 control chromosomes. The available data on variant occurrences in the general population are insufficient to allow any conclusion about variant significance. To our knowledge, no occurrence of c.4382T>G in individuals affected with Neurofibromatosis Type 1 and no experimental evidence demonstrating its impact on protein function have been reported. ClinVar contains an entry for this variant (Variation ID: 1019079). Based on the evidence outlined above, the variant was classified as uncertain significance.

NM_001042492.3(NF1):c.4445T>G (p.Ile1482Arg)

Gene: NF1 (neurofibromin 1; plus strand). Cytogenetic location: 17q11.2.
Variant type: single nucleotide variant.
Coding change: c.4445T>G on transcript NM_001042492.3 (MANE Select); coding-DNA position 4445, T replaced by G.
Protein change: p.Ile1482Arg; replaces isoleucine 1482 with arginine.
Molecular consequence: missense variant.
Genome position (GRCh38, 1-based): chr17:31,260,383, T>G. VCF-style: chr17-31260383-T-G. GRCh37 (hg19) VCF-style: chr17-29587401-T-G.
Other names: c.4382T>G, p.Ile1461Arg (NM_000267.4); short protein forms I1461R, I1482R.
Identifiers: ClinVar variation 1019079 (VCV001019079.6), dbSNP rs746994734, ClinGen allele CA398999210.